The following is an entry in ClinVar:

NM_012203.2(GRHPR):c.741C>T (p.Asp247=)

Gene: GRHPR (glyoxylate and hydroxypyruvate reductase; plus strand). Cytogenetic location: 9p13.2.
Variant type: single nucleotide variant.
Coding change: c.741C>T on transcript NM_012203.2 (MANE Select); coding-DNA position 741, C replaced by T.
Protein change: p.Asp247=; no amino-acid change (aspartic acid 247 retained).
Molecular consequence: synonymous variant.
Genome position (GRCh38, 1-based): chr9:37,432,014, C>T. VCF-style: chr9-37432014-C-T. GRCh37 (hg19) VCF-style: chr9-37432011-C-T.
Other names: c.741C>T (NM_012203.1).
Identifiers: ClinVar variation 1101420 (VCV001101420.11), dbSNP rs549318773, ClinGen allele CA5059253.

ClinVar aggregate classification (germline): Likely benign. Review status: criteria provided, multiple submitters, no conflicts (2 of 4 stars). 3 submissions from 3 submitters: Likely benign (3). Last evaluated 2026-04-22.

Conditions:
GRHPR-related disorder. Also called: GRHPR-related condition.
Nephrolithiasis/nephrocalcinosis. Identifiers: MedGen CN580796.

Allele frequency attached by ClinVar (database versions not stated): gnomAD 0.00001 and 0.00002; TOPMed 0.00002; gnomAD exomes 0.00004 and 0.00012; ExAC 0.00009; 1000 Genomes Project 30x 0.00016; 1000 Genomes Project 0.00020.
gnomAD v4.1: 72 of 1,614,058 alleles (0.0045%); highest among the groups gnomAD compares: South Asian, 0.031%; 1 homozygote.

Submissions (3):

PreventionGenetics, part of Exact Sciences
Classification: Likely benign for GRHPR-related condition. Last evaluated: 2026-04-22. Review status: criteria provided, single submitter. Criteria: ACMG Guidelines, 2015. Collection method: clinical testing. Allele origin: germline.
Comment: This variant is classified as likely benign based on ACMG/AMP sequence variant interpretation guidelines (Richards et al. 2015 PMID: 25741868, with internal and published modifications).

Labcorp Genetics (formerly Invitae), Labcorp
Classification: Likely benign. Last evaluated: 2025-10-02. Review status: criteria provided, single submitter. Criteria: Invitae Variant Classification Sherloc (09022015). Collection method: clinical testing. Allele origin: germline.

Ambry Genetics
Classification: Likely benign for Nephrolithiasis/nephrocalcinosis. Last evaluated: 2024-06-26. Review status: criteria provided, single submitter. Criteria: Ambry Variant Classification Scheme 2023. Collection method: clinical testing. Allele origin: germline.